The following is an entry in ClinVar:

NM_012414.4(RAB3GAP2):c.3355G>A (p.Glu1119Lys)

Gene: RAB3GAP2 (RAB3 GTPase activating non-catalytic protein subunit 2; minus strand). Cytogenetic location: 1q41.
Variant type: single nucleotide variant.
Coding change: c.3355G>A on transcript NM_012414.4 (MANE Select); coding-DNA position 3355, G replaced by A.
Protein change: p.Glu1119Lys; replaces glutamic acid 1119 with lysine.
Molecular consequence: missense variant.
Genome position (GRCh38, 1-based): chr1:220,157,470, C>T on the plus strand (G>A on the coding strand, the complement: RAB3GAP2 is on the minus strand). VCF-style: chr1-220157470-C-T. GRCh37 (hg19) VCF-style: chr1-220330812-C-T.
Other names: short protein forms E1119K.
Identifiers: ClinVar variation 1305480 (VCV001305480.3), dbSNP rs1029887970, ClinGen allele CA37542878.

ClinVar aggregate classification (germline): Uncertain significance. Review status: criteria provided, multiple submitters, no conflicts (2 of 4 stars). 2 submissions from 2 submitters: Uncertain significance (2). Last evaluated 2022-03-28.

Conditions:
Warburg micro syndrome 2 (WARBM2). Also called: MICRO SYNDROME 2. Identifiers: Orphanet 2510, MedGen C3280214, MONDO:0013641, OMIM 614225.
Martsolf syndrome (MARTS). Also called: Congenital cataract with intellectual disability and hypogonadotropic hypogonadism syndrome. Identifiers: Orphanet 1387, MedGen C0796037, MONDO:0023910.

Allele frequency attached by ClinVar (database versions not stated): gnomAD 0.00002; TOPMed 0.00003.
gnomAD v4.1: 9 of 1,613,400 alleles (0.00056%); highest among the groups gnomAD compares: Admixed American, 0.0083%; no homozygotes.

Submissions (2):

Labcorp Genetics (formerly Invitae), Labcorp
Classification: Uncertain significance for Martsolf syndrome; Warburg micro syndrome 2. Last evaluated: 2022-03-28. Review status: criteria provided, single submitter. Criteria: Invitae Variant Classification Sherloc (09022015). Collection method: clinical testing. Allele origin: germline.
Comment: This sequence change replaces glutamic acid, which is acidic and polar, with lysine, which is basic and polar, at codon 1119 of the RAB3GAP2 protein (p.Glu1119Lys). This variant is present in population databases (no rsID available, gnomAD 0.0009%). This variant has not been reported in the literature in individuals affected with RAB3GAP2-related conditions. ClinVar contains an entry for this variant (Variation ID: 1305480). Algorithms developed to predict the effect of missense changes on protein structure and function are either unavailable or do not agree on the potential impact of this missense change (SIFT: "Tolerated"; PolyPhen-2: "Probably Damaging"; Align-GVGD: "Class C0"). In summary, the available evidence is currently insufficient to determine the role of this variant in disease. Therefore, it has been classified as a Variant of Uncertain Significance.

GeneDx
Classification: Uncertain significance. Last evaluated: 2019-05-02. Review status: criteria provided, single submitter. Criteria: GeneDx Variant Classification Process June 2021. Collection method: clinical testing. Allele origin: germline. Affected: yes.
Comment: Not observed at a significant frequency in large population cohorts (Lek et al., 2016); In silico analysis, which includes protein predictors and evolutionary conservation, supports that this variant does not alter protein structure/function; Has not been previously published as pathogenic or benign to our knowledge